The following is an entry in ClinVar:

NM_002334.4(LRP4):c.4990A>G (p.Met1664Val)

Genes: LRP4 (LDL receptor related protein 4; minus strand), LRP4-AS1 (LRP4 antisense RNA 1; plus strand). Cytogenetic location: 11p11.2.
Variant type: single nucleotide variant.
Coding change: c.4990A>G on transcript NM_002334.4 (MANE Select); coding-DNA position 4990, A replaced by G.
Protein change: p.Met1664Val; replaces methionine 1664 with valine.
Molecular consequence: missense variant.
Genome position (GRCh38, 1-based): chr11:46,868,076, T>C on the plus strand (A>G on the coding strand, the complement: LRP4 is on the minus strand). VCF-style: chr11-46868076-T-C. GRCh37 (hg19) VCF-style: chr11-46889627-T-C.
Other names: short protein forms M1664V.
Identifiers: ClinVar variation 569474 (VCV000569474.10), dbSNP rs1455143794, ClinGen allele CA380263105.

ClinVar aggregate classification (germline): Uncertain significance. Review status: criteria provided, multiple submitters, no conflicts (2 of 4 stars). 3 submissions from 3 submitters: Uncertain significance (3). Last evaluated 2026-03-17.

Conditions:
Congenital myasthenic syndrome 17. Identifiers: Orphanet 590, MedGen C4225377, MONDO:0014578, OMIM 616304.
Cenani-Lenz syndactyly syndrome. Also called: SYNDACTYLY, TYPE VII; CENANI SYNDACTYLISM. Identifiers: Orphanet 3258, MedGen C1859309, MONDO:0008931, OMIM 212780.
Sclerosteosis 2 (SOST2). Identifiers: Orphanet 3152, MedGen C3280402, MONDO:0013679, OMIM 614305.

Allele frequency attached by ClinVar (database versions not stated): gnomAD below 0.00001 and 0.00001; gnomAD exomes below 0.00001 and 0.00001; TOPMed below 0.00001.

Submissions (3):

Women's Health and Genetics/Laboratory Corporation of America, LabCorp
Classification: Uncertain significance. Last evaluated: 2026-03-17. Review status: criteria provided, single submitter. Criteria: LabCorp Variant Classification Summary - May 2015. Collection method: clinical testing. Allele origin: germline.
Comment: Variant summary: LRP4 c.4990A>G (p.Met1664Val) results in a conservative amino acid change in the encoded protein sequence. Algorithms developed to predict the effect of missense changes on protein structure and function all suggest that this variant is likely to be tolerated. The variant allele was found at a frequency of 8e-06 in 251490 control chromosomes. The available data on variant occurrences in the general population are insufficient to allow any conclusion about variant significance. To our knowledge, no occurrence of c.4990A>G in individuals affected with LRP4-related conditions and no experimental evidence demonstrating its impact on protein function have been reported. ClinVar contains an entry for this variant (Variation ID: 569474). Based on the evidence outlined above, the variant was classified as uncertain significance.

Labcorp Genetics (formerly Invitae), Labcorp
Classification: Uncertain significance for Cenani-Lenz syndactyly syndrome; Sclerosteosis 2; Congenital myasthenic syndrome 17. Last evaluated: 2022-06-04. Review status: criteria provided, single submitter. Criteria: Invitae Variant Classification Sherloc (09022015). Collection method: clinical testing. Allele origin: germline.
Comment: This sequence change replaces methionine, which is neutral and non-polar, with valine, which is neutral and non-polar, at codon 1664 of the LRP4 protein (p.Met1664Val). In summary, the available evidence is currently insufficient to determine the role of this variant in disease. Therefore, it has been classified as a Variant of Uncertain Significance. Algorithms developed to predict the effect of sequence changes on RNA splicing suggest that this variant may create or strengthen a splice site. Algorithms developed to predict the effect of missense changes on protein structure and function output the following: SIFT: "Tolerated"; PolyPhen-2: "Benign"; Align-GVGD: "Class C0". The valine amino acid residue is found in multiple mammalian species, which suggests that this missense change does not adversely affect protein function. ClinVar contains an entry for this variant (Variation ID: 569474). This variant has not been reported in the literature in individuals affected with LRP4-related conditions. This variant is present in population databases (no rsID available, gnomAD 0.006%).

Fulgent Genetics
Classification: Uncertain significance for Cenani-Lenz syndactyly syndrome; Sclerosteosis 2; Congenital myasthenic syndrome 17. Last evaluated: 2021-12-04. Review status: criteria provided, single submitter. Criteria: ACMG Guidelines, 2015. Collection method: clinical testing. Allele origin: unknown.